The following is an entry in ClinVar:

NM_033026.6(PCLO):c.14933+3A>G

Genes: PCLO (piccolo presynaptic cytomatrix protein; minus strand), LOC126860089 (MED14-independent group 3 enhancer GRCh37_chr7:82434470-82435669; plus strand). Cytogenetic location: 7q21.11.
Variant type: single nucleotide variant.
Coding change: c.14933+3A>G on transcript NM_033026.6 (MANE Select); 3 bases into the intron after coding-DNA position 14933, A replaced by G.
Molecular consequence: intron variant.
Genome position (GRCh38, 1-based): chr7:82,805,685, T>C on the plus strand (A>G on the coding strand, the complement: PCLO is on the minus strand). VCF-style: chr7-82805685-T-C. GRCh37 (hg19) VCF-style: chr7-82435001-T-C.
Identifiers: ClinVar variation 1403622 (VCV001403622.6), dbSNP rs1470207197, ClinGen allele CA575969629.

ClinVar aggregate classification (germline): Uncertain significance (1 of 4 stars; one submission).

Allele frequency attached by ClinVar (database versions not stated): gnomAD exomes 0.00001.
gnomAD v4.1: 14 of 1,612,290 alleles (0.00087%); highest among the groups gnomAD compares: Non-Finnish European, 0.0011%; no homozygotes.

Submission:

Labcorp Genetics (formerly Invitae), Labcorp
Classification: Uncertain significance. Last evaluated: 2020-12-08. Review status: criteria provided, single submitter. Criteria: Invitae Variant Classification Sherloc (09022015). Collection method: clinical testing. Allele origin: germline.
Comment: Nucleotide substitutions within the consensus splice site are a relatively common cause of aberrant splicing (PMID: 17576681, 9536098). Algorithms developed to predict the effect of sequence changes on RNA splicing suggest that this variant is not likely to affect RNA splicing, but this prediction has not been confirmed by published transcriptional studies. This variant has not been reported in the literature in individuals with PCLO-related conditions. This variant is not present in population databases (ExAC no frequency). This sequence change falls in intron 21 of the PCLO gene. It does not directly change the encoded amino acid sequence of the PCLO protein. It affects a nucleotide within the consensus splice site of the intron. In summary, the available evidence is currently insufficient to determine the role of this variant in disease. Therefore, it has been classified as a Variant of Uncertain Significance.

Literature cited by the submitters: PubMed 17576681; PubMed 9536098.